The following is an entry in ClinVar:

NM_007294.4(BRCA1):c.1637_1685delinsGAAAG (p.Met546fs)

Gene: BRCA1 (BRCA1 DNA repair associated; minus strand). Cytogenetic location: 17q21.31.
Variant type: Indel.
Coding change: c.1637_1685delinsGAAAG on transcript NM_007294.4 (MANE Select); coding-DNA positions 1637 to 1685, the reference bases replaced by GAAAG.
Protein change: p.Met546fs; shifts the reading frame from methionine 546.
Molecular consequence: frameshift variant. On other transcripts: intron variant (137).
Genome position (GRCh38, 1-based): chr17:43,093,846-43,093,894, 49 bases replaced. GRCh37 (hg19): chr17:41,245,863-41,245,911.
Other names: 1756_1804del49insGAAAG; c.1424_1472delinsGAAAG, p.Met475fs (NM_001407571.1, NM_001407853.1, NM_001407894.1 and 9 more transcripts); c.1637_1685delinsGAAAG, p.Met546fs (NM_001407581.1, NM_001407582.1, NM_001407583.1 and 30 more transcripts); c.1634_1682delinsGAAAG, p.Met545fs (NM_001407587.1, NM_001407590.1, NM_001407591.1 and 22 more transcripts); c.1628_1676delinsGAAAG, p.Met543fs (NM_001407646.1, NM_001407647.1); c.1514_1562delinsGAAAG, p.Met505fs (NM_001407648.1, NM_001407664.1, NM_001407665.1 and 19 more transcripts); c.1511_1559delinsGAAAG, p.Met504fs (NM_001407649.1, NM_001407670.1, NM_001407671.1 and 11 more transcripts); c.1559_1607delinsGAAAG, p.Met520fs (NM_001407653.1, NM_001407654.1, NM_001407655.1 and 4 more transcripts); and 41 more; short protein forms M499fs, M546fs, M418fs, M419fs, M543fs, M435fs, M457fs, M478fs.
Identifiers: ClinVar variation 266177 (VCV000266177.6), dbSNP rs483353085, ClinGen allele CA10589925.
Genomic context (GRCh38, chr17:43,093,846, plus strand): 5'-GTTTTGAAAGCAGATTCTTTTTCGAGTGATTCTATTGGGTTAGGATTTTTCTCATTCTGA[ATAGAATCACCTTTTGTTTTATTCTCATGACCACTATTAGTAATATTCA>CTTTC]TCACTTGACCATTCTGCTCCGTTTGGTTAGTTCCCTGATTTATCATTTCAGGAGTCTTTT-3'

ClinVar aggregate classification (germline): Pathogenic. Review status: reviewed by expert panel (3 of 4 stars). 2 submissions from 2 submitters: Pathogenic (1). 1 of the submissions does not count toward it. Last evaluated 2016-10-18.

Conditions:
Breast-ovarian cancer, familial, susceptibility to, 1 (BROVCA1). Also called: BRCA1 Hereditary Breast and Ovarian Cancer; OVARIAN CANCER, SUSCEPTIBILITY TO. Identifiers: Orphanet 145, MedGen C2676676, MONDO:0011450, OMIM 604370. Disease mechanism: loss of function.

Submissions (2):

Evidence-based Network for the Interpretation of Germline Mutant Alleles (ENIGMA)
Classification: Pathogenic for Breast-ovarian cancer, familial, susceptibility to, 1. Last evaluated: 2016-10-18. Review status: reviewed by expert panel. Criteria: ENIGMA BRCA1/2 Classification Criteria (2015). Collection method: curation. Allele origin: germline.
Comment: Variant allele predicted to encode a truncated non-functional protein.

Consortium of Investigators of Modifiers of BRCA1/2 (CIMBA), c/o University of Cambridge
Classification: Pathogenic for Breast-ovarian cancer, familial, susceptibility to, 1. Last evaluated: 2015-10-02. Review status: criteria provided, single submitter. Criteria: CIMBA Mutation Classification guidelines May 2016. Collection method: clinical testing. Allele origin: germline. Not counted in ClinVar's aggregate classification.